The following is an entry in ClinVar:

NM_033028.5(BBS4):c.25-1614G>A

Gene: BBS4 (Bardet-Biedl syndrome 4; plus strand). Cytogenetic location: 15q24.1.
Variant type: single nucleotide variant.
Coding change: c.25-1614G>A on transcript NM_033028.5 (MANE Select); 1614 bases into the intron before coding-DNA position 25, G replaced by A.
Molecular consequence: intron variant.
Genome position (GRCh38, 1-based): chr15:72,693,563, G>A. VCF-style: chr15-72693563-G-A. GRCh37 (hg19) VCF-style: chr15-72985904-G-A.
Other names: c.25-1614G>A (NM_001320665.2); c.-446+7312G>A (NM_001252678.2).
Identifiers: ClinVar variation 4845524 (VCV004845524.1).

ClinVar aggregate classification (germline): Uncertain significance (1 of 4 stars; one submission).

gnomAD v4.1: 20 of 152,310 alleles (0.013%); highest among the groups gnomAD compares: East Asian, 0.39%; no homozygotes.

Submission:

Greenwood Genetic Center Diagnostic Laboratories, Greenwood Genetic Center
Classification: Uncertain significance. Last evaluated: 2025-12-10. Review status: criteria provided, single submitter. Criteria: ACMG Guidelines, 2015. Collection method: clinical testing. Allele origin: germline. Affected: yes.
Comment: PM2, BP4